The following is an entry in ClinVar:

NM_000287.4(PEX6):c.901A>G (p.Ile301Val)

Gene: PEX6 (peroxisomal biogenesis factor 6; minus strand). Cytogenetic location: 6p21.1.
Variant type: single nucleotide variant.
Coding change: c.901A>G on transcript NM_000287.4 (MANE Select); coding-DNA position 901, A replaced by G.
Protein change: p.Ile301Val; replaces isoleucine 301 with valine.
Molecular consequence: missense variant. On other transcripts: non-coding transcript variant (1).
Genome position (GRCh38, 1-based): chr6:42,975,020, T>C on the plus strand (A>G on the coding strand, the complement: PEX6 is on the minus strand). VCF-style: chr6-42975020-T-C. GRCh37 (hg19) VCF-style: chr6-42942758-T-C.
Other names: c.637A>G, p.Ile213Val (NM_001316313.2); short protein forms I213V, I301V.
Identifiers: ClinVar variation 1061469 (VCV001061469.9), dbSNP rs578234477, ClinGen allele CA364160275.

ClinVar aggregate classification (germline): Uncertain significance. Review status: criteria provided, single submitter (1 of 4 stars). 2 submissions from 2 submitters: Uncertain significance (1). 1 of the submissions does not count toward it. Last evaluated 2020-03-14.

Conditions:
Zellweger spectrum disorders (ZS). Also called: Zellweger Spectrum Disorder; Zellweger Spectrum; Zellweger Spectrum Disorder (ZSD); Zellweger syndrome. Identifiers: Orphanet 912, MedGen C0043459, MONDO:0019609.
Peroxisome biogenesis disorder. Identifiers: Orphanet 79189, MedGen C1832200, MONDO:0019234. Disease mechanism: loss of function.

Allele frequency attached by ClinVar (database versions not stated): gnomAD 0.00001.

Submissions (2):

Labcorp Genetics (formerly Invitae), Labcorp
Classification: Uncertain significance for Peroxisome biogenesis disorder. Last evaluated: 2020-03-14. Review status: criteria provided, single submitter. Criteria: Invitae Variant Classification Sherloc (09022015). Collection method: clinical testing. Allele origin: germline.
Comment: This sequence change replaces isoleucine with valine at codon 301 of the PEX6 protein (p.Ile301Val). The isoleucine residue is weakly conserved and there is a small physicochemical difference between isoleucine and valine. This variant is not present in population databases (ExAC no frequency). This variant has not been reported in the literature in individuals with PEX6-related conditions. Algorithms developed to predict the effect of missense changes on protein structure and function output the following: SIFT: "Tolerated"; PolyPhen-2: "Benign"; Align-GVGD: "Class C0". The valine amino acid residue is found in multiple mammalian species, suggesting that this missense change does not adversely affect protein function. These predictions have not been confirmed by published functional studies and their clinical significance is uncertain. In summary, the available evidence is currently insufficient to determine the role of this variant in disease. Therefore, it has been classified as a Variant of Uncertain Significance.

Natera, Inc.
Classification: Uncertain significance for Zellweger syndrome. Last evaluated: 2021-07-28. Review status: no assertion criteria provided. Collection method: clinical testing. Allele origin: germline. Not counted in ClinVar's aggregate classification.